The following is an entry in ClinVar:

ClinVar aggregate classification (germline): Uncertain significance (1 of 4 stars; one submission).

Conditions:
Glycine encephalopathy. Also called: Non-ketotic hyperglycinemia; Nonketotic hyperglycinemia. Identifiers: Orphanet 407, MedGen C0751748, MONDO:0011612, HP:0008288.

Allele frequency attached by ClinVar (database versions not stated): gnomAD exomes 0.00001; TOPMed 0.00001; gnomAD 0.00002.

Submission:

Labcorp Genetics (formerly Invitae), Labcorp
Classification: Uncertain significance for Glycine encephalopathy. Last evaluated: 2021-04-12. Review status: criteria provided, single submitter. Criteria: Invitae Variant Classification Sherloc (09022015). Collection method: clinical testing. Allele origin: germline.
Comment: This sequence change replaces lysine with glutamine at codon 169 of the GCSH protein (p.Lys169Gln). The lysine residue is moderately conserved and there is a small physicochemical difference between lysine and glutamine. In summary, the available evidence is currently insufficient to determine the role of this variant in disease. Therefore, it has been classified as a Variant of Uncertain Significance. Algorithms developed to predict the effect of missense changes on protein structure and function (SIFT, PolyPhen-2, Align-GVGD) all suggest that this variant is likely to be tolerated, but these predictions have not been confirmed by published functional studies and their clinical significance is uncertain. This variant has not been reported in the literature in individuals with GCSH-related conditions. This variant is not present in population databases (ExAC no frequency).

NM_004483.5(GCSH):c.505A>C (p.Lys169Gln)

Gene: GCSH (glycine cleavage system protein H; minus strand). Cytogenetic location: 16q23.2.
Variant type: single nucleotide variant.
Coding change: c.505A>C on transcript NM_004483.5 (MANE Select); coding-DNA position 505, A replaced by C.
Protein change: p.Lys169Gln; replaces lysine 169 with glutamine.
Molecular consequence: missense variant. On other transcripts: non-coding transcript variant (1).
Genome position (GRCh38, 1-based): chr16:81,082,883, T>G on the plus strand (A>C on the coding strand, the complement: GCSH is on the minus strand). VCF-style: chr16-81082883-T-G. GRCh37 (hg19) VCF-style: chr16-81116488-T-G.
Other names: short protein forms K169Q.
Identifiers: ClinVar variation 1438257 (VCV001438257.8), dbSNP rs1189328619, ClinGen allele CA396885657.